The following is an entry in ClinVar:

ClinVar aggregate classification (germline): Uncertain significance. Review status: criteria provided, single submitter (1 of 4 stars). 2 submissions from 2 submitters: Uncertain significance (1). 1 of the submissions does not count toward it. Last evaluated 2024-03-16.

Conditions:
ROBO2-related disorder. Also called: ROBO2-related condition.

Allele frequency attached by ClinVar (database versions not stated): ExAC 0.00001; gnomAD exomes 0.00001; TOPMed 0.00001; gnomAD 0.00002.
gnomAD v4.1: 6 of 1,613,930 alleles (0.00037%); highest among the groups gnomAD compares: African/African-American, 0.004%; no homozygotes.

Submissions (2):

Labcorp Genetics (formerly Invitae), Labcorp
Classification: Uncertain significance. Last evaluated: 2024-03-16. Review status: criteria provided, single submitter. Criteria: Invitae Variant Classification Sherloc (09022015). Collection method: clinical testing. Allele origin: germline.
Comment: This sequence change replaces valine, which is neutral and non-polar, with methionine, which is neutral and non-polar, at codon 1252 of the ROBO2 protein (p.Val1252Met). This variant is present in population databases (rs772303765, gnomAD 0.008%). This variant has not been reported in the literature in individuals affected with ROBO2-related conditions. Advanced modeling of protein sequence and biophysical properties (such as structural, functional, and spatial information, amino acid conservation, physicochemical variation, residue mobility, and thermodynamic stability) performed at Invitae indicates that this missense variant is not expected to disrupt ROBO2 protein function with a negative predictive value of 95%. In summary, the available evidence is currently insufficient to determine the role of this variant in disease. Therefore, it has been classified as a Variant of Uncertain Significance.

PreventionGenetics, part of Exact Sciences
Classification: Uncertain significance for ROBO2-related condition. Last evaluated: 2023-12-22. Review status: no assertion criteria provided. Collection method: clinical testing. Allele origin: germline. Not counted in ClinVar's aggregate classification.
Comment: The ROBO2 c.3802G>A variant is predicted to result in the amino acid substitution p.Val1268Met. To our knowledge, this variant has not been reported in the literature. This variant is reported in 0.0083% of alleles in individuals of African descent in gnomAD. At this time, the clinical significance of this variant is uncertain due to the absence of conclusive functional and genetic evidence.

NM_001395656.1(ROBO2):c.3766G>A (p.Val1256Met)

Gene: ROBO2 (roundabout guidance receptor 2; plus strand). Cytogenetic location: 3p12.3.
Variant type: single nucleotide variant.
Coding change: c.3766G>A on transcript NM_001395656.1 (MANE Select); coding-DNA position 3766, G replaced by A.
Protein change: p.Val1256Met; replaces valine 1256 with methionine.
Molecular consequence: missense variant.
Genome position (GRCh38, 1-based): chr3:77,622,426, G>A. VCF-style: chr3-77622426-G-A. GRCh37 (hg19) VCF-style: chr3-77671577-G-A.
Other names: c.3802G>A, p.Val1268Met (NM_001128929.3); c.3766G>A, p.Val1256Met (NM_001290039.2, NM_001290040.2); c.1975G>A, p.Val659Met (NM_001290065.2); c.3814G>A, p.Val1272Met (NM_001378190.1, NM_001378200.1, NM_001378201.1 and 1 more transcripts); c.3940G>A, p.Val1314Met (NM_001378191.1, NM_001378195.1, NM_001378196.1); c.3835G>A, p.Val1279Met (NM_001378192.1, NM_001378198.1, NM_001378199.1); c.3754G>A, p.Val1252Met (NM_001378193.1, NM_002942.5); c.3952G>A, p.Val1318Met (NM_001378194.1); and 5 more; short protein forms V1252M, V1253M, V1256M, V1268M, V1272M, V1275M, V1279M, V1294M.
Identifiers: ClinVar variation 3035920 (VCV003035920.4), dbSNP rs772303765, ClinGen allele CA2497724.
Genomic context (GRCh38, chr3:77,622,426, plus strand): 5'-AGGCCCCTGAGAGCACTGGACCAGACTCCTGGATCCAGCATGGACAATCTAGACAGCTCT[G>A]TGACAGGTAACGGAACCAATTTAATAGGAAAAACTGACCTATTGGTAACATTAAAATGCA-3'
Protein context (NP_001382585.1, residues 1246-1266): GSSMDNLDSS[Val1256Met]TGKAFTSSQR